The following is an entry in ClinVar:

NM_001378418.1(TCF20):c.5257C>T (p.His1753Tyr)

Gene: TCF20 (transcription factor 20; minus strand). Cytogenetic location: 22q13.2.
Variant type: single nucleotide variant.
Coding change: c.5257C>T on transcript NM_001378418.1 (MANE Select); coding-DNA position 5257, C replaced by T.
Protein change: p.His1753Tyr; replaces histidine 1753 with tyrosine.
Molecular consequence: missense variant.
Genome position (GRCh38, 1-based): chr22:42,210,049, G>A on the plus strand (C>T on the coding strand, the complement: TCF20 is on the minus strand). VCF-style: chr22-42210049-G-A. GRCh37 (hg19) VCF-style: chr22-42606055-G-A.
Other names: c.5257C>T, p.His1753Tyr (NM_005650.4, NM_181492.3); short protein forms H1753Y.
Identifiers: ClinVar variation 2305474 (VCV002305474.3), dbSNP rs765172300, ClinGen allele CA10266513.

ClinVar aggregate classification (germline): Conflicting classifications of pathogenicity. Review status: criteria provided, conflicting classifications (1 of 4 stars). 2 submissions from 2 submitters: Uncertain significance (1); Likely benign (1). Last evaluated 2025-11-03.

Conditions:
Inborn genetic diseases. Identifiers: MedGen C0950123, MeSH D030342.

Allele frequency attached by ClinVar (database versions not stated): gnomAD 0.00001; gnomAD exomes 0.00001; ExAC 0.00002.
gnomAD v4.1: 6 of 1,613,028 alleles (0.00037%); highest among the groups gnomAD compares: Admixed American, 0.005%; no homozygotes.

Submissions (2):

Labcorp Genetics (formerly Invitae), Labcorp
Classification: Uncertain significance. Last evaluated: 2025-11-03. Review status: criteria provided, single submitter. Criteria: Invitae Variant Classification Sherloc (09022015). Collection method: clinical testing. Allele origin: germline.
Comment: This sequence change replaces histidine, which is basic and polar, with tyrosine, which is neutral and polar, at codon 1753 of the TCF20 protein (p.His1753Tyr). This variant is present in population databases (rs765172300, gnomAD 0.009%). This variant has not been reported in the literature in individuals affected with TCF20-related conditions. ClinVar contains an entry for this variant (Variation ID: 2305474). An algorithm developed to predict the effect of missense changes on protein structure and function (PolyPhen-2) suggests that this variant is likely to be disruptive. In summary, the available evidence is currently insufficient to determine the role of this variant in disease. Therefore, it has been classified as a Variant of Uncertain Significance.

Ambry Genetics
Classification: Likely benign for Inborn genetic diseases. Last evaluated: 2022-08-08. Review status: criteria provided, single submitter. Criteria: Ambry Variant Classification Scheme 2023. Collection method: clinical testing. Allele origin: germline.